The following is an entry in ClinVar:

NM_000059.4(BRCA2):c.6842-1122C>G

Gene: BRCA2 (BRCA2 DNA repair associated; plus strand). Cytogenetic location: 13q13.1.
Variant type: single nucleotide variant.
Coding change: c.6842-1122C>G on transcript NM_000059.4 (MANE Select); 1122 bases into the intron before coding-DNA position 6842, C replaced by G.
Molecular consequence: intron variant.
Genome position (GRCh38, 1-based): chr13:32,343,436, C>G. VCF-style: chr13-32343436-C-G. GRCh37 (hg19) VCF-style: chr13-32917573-C-G.
Identifiers: ClinVar variation 264860 (VCV000264860.1), dbSNP rs11571668, ClinGen allele CA10588100.

ClinVar aggregate classification (germline): Benign (3 of 4 stars; one submission).

Conditions:
Breast-ovarian cancer, familial, susceptibility to, 2 (BROVCA2). Also called: BRCA2 Hereditary Breast and Ovarian Cancer. Identifiers: Orphanet 145, MedGen C2675520, MONDO:0012933, OMIM 612555. Disease mechanism: loss of function.

Allele frequency attached by ClinVar (database versions not stated): 1000 Genomes Project 0.00339; 1000 Genomes Project 30x 0.00390; gnomAD 0.00751 and 0.00767; TOPMed 0.00822.

Submission:

Evidence-based Network for the Interpretation of Germline Mutant Alleles (ENIGMA)
Classification: Benign for Breast-ovarian cancer, familial, susceptibility to, 2. Last evaluated: 2016-09-28. Review status: reviewed by expert panel. Criteria: ENIGMA BRCA1/2 Classification Criteria (2015). Collection method: curation. Allele origin: germline.
Comment: Class 1 not pathogenic based on frequency >1% in an outbred sampleset. Frequency 0.013 (Admixed American/Latino), derived from 1000 genomes (2013-05-02).